The following is an entry in ClinVar:

ClinVar aggregate classification (germline): Uncertain significance (1 of 4 stars; one submission).

Submission:

GeneDx
Classification: Uncertain significance. Last evaluated: 2025-06-02. Review status: criteria provided, single submitter. Criteria: GeneDx Variant Classification Process June 2021. Collection method: clinical testing. Allele origin: germline. Affected: yes.
Comment: Not observed at significant frequency in large population cohorts (gnomAD); Frameshift variant predicted to result in protein truncation or nonsense mediated decay in a gene or region of a gene for which loss of function is not a well-established mechanism of disease; Has not been previously published as pathogenic or benign to our knowledge

NM_005458.8(GABBR2):c.1641del (p.Thr548fs)

Gene: GABBR2 (gamma-aminobutyric acid type B receptor subunit 2; minus strand). Cytogenetic location: 9q22.33.
Variant type: Deletion.
Coding change: c.1641del on transcript NM_005458.8 (MANE Select); coding-DNA position 1641, one base deleted (G; older notation c.1641delG).
Protein change: p.Thr548fs; shifts the reading frame from threonine 548.
Molecular consequence: frameshift variant.
Genome position (GRCh38, 1-based): chr9:98,385,661, C deleted on the plus strand (G on the coding strand, the reverse complement: GABBR2 is on the minus strand). VCF-style (leftmost placement, unchanged base first): chr9-98385660-TC-T. GRCh37 (hg19) VCF-style: chr9-101147942-TC-T.
Other names: short protein forms T548fs.
Identifiers: ClinVar variation 4536353 (VCV004536353.1).